The following is an entry in ClinVar:

ClinVar aggregate classification (germline): Benign (1 of 4 stars; one submission).

Allele frequency attached by ClinVar (database versions not stated): gnomAD 0.27927 and 0.28095; 1000 Genomes Project 30x 0.29029; 1000 Genomes Project 0.29193.
gnomAD v4.1: 42,666 of 152,020 alleles (28%); highest among the groups gnomAD compares: South Asian, 32%; 6,016 homozygotes.

Submission:

GeneDx
Classification: Benign. Last evaluated: 2018-06-14. Review status: criteria provided, single submitter. Criteria: GeneDx Variant Classification (06012015). Collection method: clinical testing. Allele origin: germline. Affected: yes.
Comment: This variant is considered likely benign or benign based on one or more of the following criteria: it is a conservative change, it occurs at a poorly conserved position in the protein, it is predicted to be benign by multiple in silico algorithms, and/or has population frequency not consistent with disease.

NM_014165.4(NDUFAF4):c.137-331C>G

Gene: NDUFAF4 (NADH:ubiquinone oxidoreductase complex assembly factor 4; minus strand). Cytogenetic location: 6q16.1.
Variant type: single nucleotide variant.
Coding change: c.137-331C>G on transcript NM_014165.4 (MANE Select); 331 bases into the intron before coding-DNA position 137, C replaced by G.
Molecular consequence: intron variant.
Genome position (GRCh38, 1-based): chr6:96,897,178, G>C on the plus strand (C>G on the coding strand, the complement: NDUFAF4 is on the minus strand). VCF-style: chr6-96897178-G-C. GRCh37 (hg19) VCF-style: chr6-97345054-G-C.
Identifiers: ClinVar variation 677882 (VCV000677882.1), dbSNP rs7771530, ClinGen allele CA12244085.